The following is an entry in ClinVar:

NM_138694.4(PKHD1):c.7011_7012del (p.Cys2337fs)

Gene: PKHD1 (PKHD1 ciliary IPT domain containing fibrocystin/polyductin; minus strand). Cytogenetic location: 6p12.2.
Variant type: Microsatellite.
Coding change: c.7011_7012del on transcript NM_138694.4 (MANE Select); coding-DNA positions 7011 to 7012, 2 bases deleted (TG; older notation c.7011_7012delTG).
Protein change: p.Cys2337fs; shifts the reading frame from cysteine 2337.
Molecular consequence: frameshift variant.
Genome position (GRCh38, 1-based): chr6:51,887,230-51,887,231, CA deleted on the plus strand (TG on the coding strand, the reverse complement: PKHD1 is on the minus strand); deleting any 2 consecutive bases within chr6:51,887,230-51,887,236 gives the same sequence; the c. name uses the placement nearest the transcript's 3' end. VCF-style (leftmost placement, unchanged base first): chr6-51887229-CCA-C. GRCh37 (hg19) VCF-style: chr6-51752027-CCA-C.
Other names: c.7011_7012del, p.Cys2337fs (NM_170724.3); c.7011_7012delTG (NM_138694.3); short protein forms C2337fs.
Identifiers: ClinVar variation 1899291 (VCV001899291.6), dbSNP rs2536254210, ClinGen allele CA2580617256.

ClinVar aggregate classification (germline): Pathogenic/Likely pathogenic. Review status: criteria provided, multiple submitters, no conflicts (2 of 4 stars). 2 submissions from 2 submitters: Pathogenic (1); Likely pathogenic (1). Last evaluated 2025-10-09.

Conditions:
Autosomal recessive polycystic kidney disease (ARPKD). Also called: AR polycystic kidney disease. Identifiers: Orphanet 731, Orphanet 8378, MedGen C0085548, MeSH D017044, MONDO:0009889.

Submissions (2):

Natera, Inc.
Classification: Likely pathogenic for Autosomal recessive polycystic kidney disease. Last evaluated: 2025-10-09. Review status: criteria provided, single submitter. Criteria: Natera Variant Classification Schema (03/2026). Collection method: clinical testing. Allele origin: germline.
Comment: The c.7011_7012delTG variant in PKHD1 is a frameshift variant predicted to shift the reading frame beginning at codon 2337 and leads to a stop codon 41 codons downstream. This variant is expected to result in nonsense mediated decay, truncation, or a dysfunctional protein product. This variant is rare in the general population with a frequency below the threshold expected for the associated phenotype(s). Given the available evidence, this variant is classified as Likely Pathogenic.

Labcorp Genetics (formerly Invitae), Labcorp
Classification: Pathogenic for Autosomal recessive polycystic kidney disease. Last evaluated: 2022-09-25. Review status: criteria provided, single submitter. Criteria: Invitae Variant Classification Sherloc (09022015). Collection method: clinical testing. Allele origin: germline.
Comment: This variant is not present in population databases (gnomAD no frequency). This sequence change creates a premature translational stop signal (p.Cys2337Trpfs*41) in the PKHD1 gene. It is expected to result in an absent or disrupted protein product. Loss-of-function variants in PKHD1 are known to be pathogenic (PMID: 19940839). This variant has not been reported in the literature in individuals affected with PKHD1-related conditions. For these reasons, this variant has been classified as Pathogenic.

Literature cited by the submitters: PubMed 19940839 (cited by Labcorp Genetics (formerly Invitae), Labcorp).